The following is an entry in ClinVar:

ClinVar aggregate classification (germline): Uncertain significance (1 of 4 stars; one submission).

Conditions:
Hereditary cancer-predisposing syndrome. Also called: Neoplastic Syndromes, Hereditary; Tumor predisposition; Hereditary Cancer Syndrome; Hereditary neoplastic syndrome. Identifiers: Orphanet 140162, MedGen C0027672, MeSH D009386, MONDO:0015356.

Submission:

Ambry Genetics
Classification: Uncertain significance for Hereditary cancer-predisposing syndrome. Last evaluated: 2017-09-12. Review status: criteria provided, single submitter. Criteria: Ambry Variant Classification Scheme 2023. Collection method: clinical testing. Allele origin: germline.
Comment: The c.782_784delGAA variant (also known as p.R261del) is located in coding exon 6 of the FH gene. This variant results from an in-frame GAA deletion at nucleotide positions 782 to 784. This results in the in-frame deletion of an arginine at codon 261. This amino acid position is highly conserved in available vertebrate species. Since supporting evidence is limited at this time, the clinical significance of this alteration remains unclear.

NM_000143.4(FH):c.782_784del (p.Arg261del)

Gene: FH (fumarate hydratase; minus strand). Cytogenetic location: 1q43.
Variant type: Deletion.
Coding change: c.782_784del on transcript NM_000143.4 (MANE Select); coding-DNA positions 782 to 784, 3 bases deleted (GAA; older notation c.782_784delGAA).
Protein change: p.Arg261del; deletes arginine 261.
Molecular consequence: inframe deletion. On other transcripts: inframe indel (1).
Genome position (GRCh38, 1-based): chr1:241,506,123-241,506,125, TTC deleted on the plus strand (GAA on the coding strand, the reverse complement: FH is on the minus strand); deleting any 3 consecutive bases within chr1:241,506,123-241,506,127 gives the same sequence; the c. name uses the placement nearest the transcript's 3' end. VCF-style (leftmost placement, unchanged base first): chr1-241506122-ATTC-A. GRCh37 (hg19) VCF-style: chr1-241669422-ATTC-A.
Other names: c.782_784delGAA (NM_000143.3); short protein forms R261del.
Identifiers: ClinVar variation 1760774 (VCV001760774.2), dbSNP rs2527323017, ClinGen allele CA2580063496.